The following is an entry in ClinVar:

NC_000009.12:g.35657953T>G

Gene: RMRP (RNA component of mitochondrial RNA processing endoribonuclease; minus strand). Cytogenetic location: 9p13.3.
Variant type: single nucleotide variant.
Genome position: GRCh38 VCF-style: chr9-35657953-T-G. GRCh37 (hg19) VCF-style: chr9-35657950-T-G.
Identifiers: ClinVar variation 1920626 (VCV001920626.2), dbSNP rs530883024, ClinGen allele CA464450894.

ClinVar aggregate classification (germline): Uncertain significance (1 of 4 stars; one submission).

Conditions:
Anauxetic dysplasia. Identifiers: Orphanet 93347, MedGen C1846796, MONDO:0011773.

gnomAD v4.1: 1 of 700,432 alleles (0.00014%); highest among the groups gnomAD compares: African/African-American, 0.0017%; no homozygotes.

Submission:

Labcorp Genetics (formerly Invitae), Labcorp
Classification: Uncertain significance for Anauxetic dysplasia. Last evaluated: 2022-01-15. Review status: criteria provided, single submitter. Criteria: Invitae Variant Classification Sherloc (09022015). Collection method: clinical testing. Allele origin: germline.
Comment: This variant occurs in the RMRP gene, which encodes an RNA molecule that does not result in a protein product. This variant is not present in population databases (gnomAD no frequency). This variant has not been reported in the literature in individuals affected with RMRP-related conditions. Experimental studies and prediction algorithms are not available or were not evaluated, and the functional significance of this variant is currently unknown. In summary, the available evidence is currently insufficient to determine the role of this variant in disease. Therefore, it has been classified as a Variant of Uncertain Significance.